The following is an entry in ClinVar:

NM_000138.5(FBN1):c.3258del (p.Cys1086fs)

Gene: FBN1 (fibrillin 1; minus strand). Cytogenetic location: 15q21.1.
Variant type: Deletion.
Coding change: c.3258del on transcript NM_000138.5 (MANE Select); coding-DNA position 3258, one base deleted (T; older notation c.3258delT).
Protein change: p.Cys1086fs; shifts the reading frame from cysteine 1086.
Molecular consequence: frameshift variant.
Genome position (GRCh38, 1-based): chr15:48,488,192, A deleted on the plus strand (T on the coding strand, the reverse complement: FBN1 is on the minus strand). VCF-style (leftmost placement, unchanged base first): chr15-48488191-CA-C. GRCh37 (hg19) VCF-style: chr15-48780388-CA-C.
Other names: c.3258delT (NM_000138.4); short protein forms C1086fs.
Identifiers: ClinVar variation 426761 (VCV000426761.2), dbSNP rs1085307786, ClinGen allele CA645293891.

ClinVar aggregate classification (germline): Pathogenic (1 of 4 stars; one submission).

Submission:

GeneDx
Classification: Pathogenic. Last evaluated: 2017-04-05. Review status: criteria provided, single submitter. Criteria: GeneDx Variant Classification (06012015). Collection method: clinical testing. Allele origin: germline. Affected: yes.
Comment: Although the c.3258delT variant in the FBN1 gene has not been reported to our knowledge, this deletioncauses a shift in reading frame starting at codon Cysteine 1086, changing it to a Tryptophan, and creating apremature stop codon at position 2 of the new reading frame, denoted p.Cys1086TrpfsX2. This deletion isexpected to result in either an abnormal, truncated protein product or loss of protein from this allele throughnonsense-mediated mRNA decay. Other frameshift variants in the FBN1 gene have been reported inHGMD in association with Marfan syndrome (Stenson P et al., 2014). Furthermore, the c.3258delTvariant was not observed in approximately 6,500 individuals of European and African American ancestryin the NHLBI Exome Sequencing Project, indicating it is not a common benign variant in these populations.In summary, c.3258delT in the FBN1 gene is interpreted as a pathogenic variant.